The following is an entry in ClinVar:

NM_017433.5(MYO3A):c.2848C>G (p.Arg950Gly)

Gene: MYO3A (myosin IIIA; plus strand). Cytogenetic location: 10p12.1.
Variant type: single nucleotide variant.
Coding change: c.2848C>G on transcript NM_017433.5 (MANE Select); coding-DNA position 2848, C replaced by G.
Protein change: p.Arg950Gly; replaces arginine 950 with glycine.
Molecular consequence: missense variant.
Genome position (GRCh38, 1-based): chr10:26,157,364, C>G. VCF-style: chr10-26157364-C-G. GRCh37 (hg19) VCF-style: chr10-26446293-C-G.
Other names: short protein forms R950G.
Identifiers: ClinVar variation 1310042 (VCV001310042.2), dbSNP rs78316055, ClinGen allele CA5445088.

ClinVar aggregate classification (germline): Uncertain significance (1 of 4 stars; one submission).

gnomAD v4.1: 4 of 1,614,082 alleles (0.00025%); highest among the groups gnomAD compares: East Asian, 0.0022%; no homozygotes.

Submission:

GeneDx
Classification: Uncertain significance. Last evaluated: 2019-11-05. Review status: criteria provided, single submitter. Criteria: GeneDx Variant Classification Process June 2021. Collection method: clinical testing. Allele origin: germline. Affected: yes.
Comment: In silico analysis, which includes protein predictors and evolutionary conservation, supports a deleterious effect; Has not been previously published as pathogenic or benign to our knowledge